The following is an entry in ClinVar:

NM_001122769.3(LCA5):c.1097T>C (p.Leu366Ser)

Gene: LCA5 (lebercilin LCA5; minus strand). Cytogenetic location: 6q14.1.
Variant type: single nucleotide variant.
Coding change: c.1097T>C on transcript NM_001122769.3 (MANE Select); coding-DNA position 1097, T replaced by C.
Protein change: p.Leu366Ser; replaces leucine 366 with serine.
Molecular consequence: missense variant.
Genome position (GRCh38, 1-based): chr6:79,491,589, A>G on the plus strand (T>C on the coding strand, the complement: LCA5 is on the minus strand). VCF-style: chr6-79491589-A-G. GRCh37 (hg19) VCF-style: chr6-80201306-A-G.
Other names: c.1097T>C, p.Leu366Ser (NM_181714.4); short protein forms L366S.
Identifiers: ClinVar variation 358099 (VCV000358099.19), dbSNP rs200988021, ClinGen allele CA3900944.

ClinVar aggregate classification (germline): Conflicting classifications of pathogenicity. Review status: criteria provided, conflicting classifications (1 of 4 stars). 6 submissions from 6 submitters: Uncertain significance (2); Benign (1); Likely benign (2). 1 of the submissions does not count toward it. Last evaluated 2026-01-20.

Conditions:
Inborn genetic diseases. Identifiers: MedGen C0950123, MeSH D030342.
Leber congenital amaurosis 5 (LCA5). Also called: Amaurosis congenita of Leber, type 5. Identifiers: Orphanet 65, MedGen C1858301, MONDO:0011473, OMIM 604537.
Leber congenital amaurosis (LCA). Also called: Leber's amaurosis. Identifiers: Orphanet 65, MedGen C0339527, MeSH D057130, MONDO:0018998.
LCA5-related disorder. Also called: LCA5-related condition.

Allele frequency attached by ClinVar (database versions not stated): ESP Exome Variant Server 0.00008; gnomAD 0.00019; TOPMed 0.00021.
gnomAD v4.1: 283 of 1,612,810 alleles (0.018%); highest among the groups gnomAD compares: Middle Eastern, 0.13%; 1 homozygote.

Submissions (6):

Labcorp Genetics (formerly Invitae), Labcorp
Classification: Benign. Last evaluated: 2026-01-20. Review status: criteria provided, single submitter. Criteria: Invitae Variant Classification Sherloc (09022015). Collection method: clinical testing. Allele origin: germline.

PreventionGenetics, part of Exact Sciences
Classification: Likely benign for LCA5-related condition. Last evaluated: 2025-03-11. Review status: criteria provided, single submitter. Criteria: ACMG Guidelines, 2015. Collection method: clinical testing. Allele origin: germline.
Comment: This variant is classified as likely benign based on ACMG/AMP sequence variant interpretation guidelines (Richards et al. 2015 PMID: 25741868, with internal and published modifications).

Blueprint Genetics
Classification: Likely benign. Last evaluated: 2024-10-24. Review status: criteria provided, single submitter. Criteria: ACMG Guidelines, 2015. Collection method: clinical testing. Allele origin: germline.

Ambry Genetics
Classification: Uncertain significance for Inborn genetic diseases. Last evaluated: 2021-10-18. Review status: criteria provided, single submitter. Criteria: Ambry Variant Classification Scheme 2023. Collection method: clinical testing. Allele origin: germline.

Illumina Laboratory Services, Illumina
Classification: Uncertain significance for Leber congenital amaurosis 5. Last evaluated: 2018-01-13. Review status: criteria provided, single submitter. Criteria: ICSL Variant Classification Criteria 13 December 2019. Collection method: clinical testing. Allele origin: germline.

Natera, Inc.
Classification: Benign for Leber congenital amaurosis. Last evaluated: 2019-11-22. Review status: no assertion criteria provided. Collection method: clinical testing. Allele origin: germline. Not counted in ClinVar's aggregate classification.